The following is an entry in ClinVar:

NM_006514.4(SCN10A):c.3682-3C>T

Gene: SCN10A (sodium voltage-gated channel alpha subunit 10; minus strand). Cytogenetic location: 3p22.2.
Variant type: single nucleotide variant.
Coding change: c.3682-3C>T on transcript NM_006514.4 (MANE Select); 3 bases into the intron before coding-DNA position 3682, C replaced by T.
Molecular consequence: intron variant.
Genome position (GRCh38, 1-based): chr3:38,714,083, G>A on the plus strand (C>T on the coding strand, the complement: SCN10A is on the minus strand). VCF-style: chr3-38714083-G-A. GRCh37 (hg19) VCF-style: chr3-38755574-G-A.
Other names: c.3388-3C>T (NM_001293307.2); c.3679-3C>T (NM_001293306.2).
Identifiers: ClinVar variation 1733896 (VCV001733896.2), dbSNP rs878989907, ClinGen allele CA2580069761.
Genomic context (GRCh38, chr3:38,714,083, plus strand): 5'-TGATGGGAGCCACTTCAGAATATTCCAGAATCTTCGCTGTGAGACTTATCAGTGAGATCT[G>A]AGTGCAGGAGAGGGCAGAAACATCACTCTAGGTTTCCAGAAAGGCAGTCCTCGTGGAAGG-3'

ClinVar aggregate classification (germline): Uncertain significance (1 of 4 stars; one submission).

Conditions:
Cardiovascular phenotype. Identifiers: MedGen CN230736.

Submission:

Ambry Genetics
Classification: Uncertain significance for Cardiovascular phenotype. Last evaluated: 2021-12-20. Review status: criteria provided, single submitter. Criteria: Ambry Variant Classification Scheme 2023. Collection method: clinical testing. Allele origin: germline.
Comment: The c.3682-3C>T intronic variant results from a C to T substitution 3 nucleotides upstream from coding exon 21 in the SCN10A gene. This nucleotide position is well conserved in available vertebrate species. In silico splice site analysis predicts that this alteration will not have any significant effect on splicing. Since supporting evidence is limited at this time, the clinical significance of this alteration remains unclear.